The following is an entry in ClinVar:

ClinVar aggregate classification (germline): Uncertain significance (1 of 4 stars; one submission).

Conditions:
Creatine transporter deficiency (CCDS1). Also called: CEREBRAL CREATINE DEFICIENCY SYNDROME 1; Mental retardation , X-linked with seizures, short stature and midface hypoplasia; Mental retardation , X-linked, with creatine transport deficiency; X-linked creatine transporter deficiency; X-linked creatine deficiency syndrome; SLC6A8-Related Creatine Transporter Deficiency. Identifiers: Orphanet 52503, MedGen C1845862, MONDO:0010305, OMIM 300352.

Submission:

Labcorp Genetics (formerly Invitae), Labcorp
Classification: Uncertain significance for Creatine transporter deficiency. Last evaluated: 2024-01-24. Review status: criteria provided, single submitter. Criteria: Invitae Variant Classification Sherloc (09022015). Collection method: clinical testing. Allele origin: germline.
Comment: This sequence change replaces leucine, which is neutral and non-polar, with valine, which is neutral and non-polar, at codon 432 of the SLC6A8 protein (p.Leu432Val). This variant is not present in population databases (gnomAD no frequency). This variant has not been reported in the literature in individuals affected with SLC6A8-related conditions. Advanced modeling of protein sequence and biophysical properties (such as structural, functional, and spatial information, amino acid conservation, physicochemical variation, residue mobility, and thermodynamic stability) performed at Invitae indicates that this missense variant is not expected to disrupt SLC6A8 protein function with a negative predictive value of 95%. In summary, the available evidence is currently insufficient to determine the role of this variant in disease. Therefore, it has been classified as a Variant of Uncertain Significance.

NM_005629.4(SLC6A8):c.1294C>G (p.Leu432Val)

Gene: SLC6A8 (solute carrier family 6 member 8; plus strand). Cytogenetic location: Xq28.
Variant type: single nucleotide variant.
Coding change: c.1294C>G on transcript NM_005629.4 (MANE Select); coding-DNA position 1294, C replaced by G.
Protein change: p.Leu432Val; replaces leucine 432 with valine.
Molecular consequence: missense variant.
Genome position (GRCh38, 1-based): chrX:153,694,169, C>G. VCF-style: chrX-153694169-C-G. GRCh37 (hg19) VCF-style: chrX-152959624-C-G.
Other names: c.1264C>G, p.Leu422Val (NM_001142805.2); c.949C>G, p.Leu317Val (NM_001142806.1); short protein forms L422V, L317V, L432V.
Identifiers: ClinVar variation 2711156 (VCV002711156.3), dbSNP rs2522166355, ClinGen allele CA415086749.
Genomic context (GRCh38, chrX:153,694,169, plus strand): 5'-CCTGAGCTGCCCTGGCCACAGTTTGTAGGTGTGGAGGGCTTCATCACCGGCCTCCTCGAC[C>G]TCCTCCCGGCCTCCTACTACTTCCGTTTCCAAAGGGAGATCTCTGTGGCCCTCTGTTGTG-3'
Protein context (NP_005620.1, residues 422-442): VEGFITGLLD[Leu432Val]LPASYYFRFQ